The following is an entry in ClinVar:

NM_032242.4(PLXNA1):c.1451G>A (p.Ser484Asn)

Gene: PLXNA1 (plexin A1; plus strand). Cytogenetic location: 3q21.3.
Variant type: single nucleotide variant.
Coding change: c.1451G>A on transcript NM_032242.4 (MANE Select); coding-DNA position 1451, G replaced by A.
Protein change: p.Ser484Asn; replaces serine 484 with asparagine.
Molecular consequence: missense variant.
Genome position (GRCh38, 1-based): chr3:127,003,403, G>A. VCF-style: chr3-127003403-G-A. GRCh37 (hg19) VCF-style: chr3-126722246-G-A.
Other names: short protein forms S484N.
Identifiers: ClinVar variation 3348599 (VCV003348599.1).
Genomic context (GRCh38, chr3:127,003,403, plus strand): 5'-TCTCAAACCCCGGTGGCCGGCCTGCCCTGGCCTACGAGAGCGTCGTGGCCCAGGAGGGCA[G>A]CCCCATCCTGCGAGACCTCGTCCTCAGCCCCAACCACCAGTACCTCTACGCCATGACCGA-3'
Protein context (NP_115618.3, residues 474-494): AYESVVAQEG[Ser484Asn]PILRDLVLSP

ClinVar aggregate classification (germline): Uncertain significance (0 of 4 stars; one submission).

Conditions:
PLXNA1-related disorder. Also called: PLXNA1-related condition.

Submission:

PreventionGenetics, part of Exact Sciences
Classification: Uncertain significance for PLXNA1-related condition. Last evaluated: 2024-01-16. Review status: no assertion criteria provided. Collection method: clinical testing. Allele origin: germline.
Comment: The PLXNA1 c.1451G>A variant is predicted to result in the amino acid substitution p.Ser484Asn. To our knowledge, this variant has not been reported in the literature or in a large population database, indicating this variant is rare. At this time, the clinical significance of this variant is uncertain due to the absence of conclusive functional and genetic evidence.